The following is an entry in ClinVar:

ClinVar aggregate classification (germline): Uncertain significance. Review status: criteria provided, multiple submitters, no conflicts (2 of 4 stars). 2 submissions from 2 submitters: Uncertain significance (2). Last evaluated 2022-10-06.

Conditions:
Inborn genetic diseases. Identifiers: MedGen C0950123, MeSH D030342.

Allele frequency attached by ClinVar (database versions not stated): ExAC 0.00002; gnomAD 0.00002; TOPMed 0.00003; gnomAD exomes 0.00004; ESP Exome Variant Server 0.00008.
gnomAD v4.1: 58 of 1,614,026 alleles (0.0036%); highest among the groups gnomAD compares: Non-Finnish European, 0.0043%; no homozygotes.

Submissions (3):

Ambry Genetics
Classification: Uncertain significance for Inborn genetic diseases. Last evaluated: 2022-10-06. Review status: criteria provided, single submitter. Criteria: Ambry Variant Classification Scheme 2023. Collection method: clinical testing. Allele origin: germline.

Labcorp Genetics (formerly Invitae), Labcorp
Classification: Uncertain significance. Last evaluated: 2022-05-18. Review status: criteria provided, single submitter. Criteria: Invitae Variant Classification Sherloc (09022015). Collection method: clinical testing. Allele origin: germline.
Comment: This sequence change replaces arginine, which is basic and polar, with glutamine, which is neutral and polar, at codon 1067 of the FNIP1 protein (p.Arg1067Gln). This variant is present in population databases (rs138667282, gnomAD 0.005%). This variant has not been reported in the literature in individuals affected with FNIP1-related conditions. Algorithms developed to predict the effect of missense changes on protein structure and function are either unavailable or do not agree on the potential impact of this missense change (SIFT: "Tolerated"; PolyPhen-2: "Probably Damaging"; Align-GVGD: "Class C0"). In summary, the available evidence is currently insufficient to determine the role of this variant in disease. Therefore, it has been classified as a Variant of Uncertain Significance.

Dr. Peter K. Rogan Lab, Western University
No classification provided (evidence only). Condition: Clear cell carcinoma of kidney. Review status: no classification provided. Collection method: in vitro. Allele origin: not applicable. Functional consequence: skipped exon. Not counted in ClinVar's aggregate classification.

NM_133372.3(FNIP1):c.3200G>A (p.Arg1067Gln)

Gene: FNIP1 (folliculin interacting protein 1; minus strand). Cytogenetic location: 5q31.1.
Variant type: single nucleotide variant.
Coding change: c.3200G>A on transcript NM_133372.3 (MANE Select); coding-DNA position 3200, G replaced by A.
Protein change: p.Arg1067Gln; replaces arginine 1067 with glutamine.
Molecular consequence: missense variant.
Genome position (GRCh38, 1-based): chr5:131,651,908, C>T on the plus strand (G>A on the coding strand, the complement: FNIP1 is on the minus strand). VCF-style: chr5-131651908-C-T. GRCh37 (hg19) VCF-style: chr5-130987601-C-T.
Other names: c.3116G>A, p.Arg1039Gln (NM_001008738.3); c.3065G>A, p.Arg1022Gln (NM_001346114.2); short protein forms R1022Q, R1067Q, R1039Q.
Identifiers: ClinVar variation 2071024 (VCV002071024.3), dbSNP rs138667282, ClinGen allele CA3400378.